The following is an entry in ClinVar:

ClinVar aggregate classification (germline): Pathogenic (1 of 4 stars; one submission).

Conditions:
Progressive sclerosing poliodystrophy (MTDPS4A). Also called: Mitochondrial DNA Depletion Syndrome 4A; ALPERS PROGRESSIVE INFANTILE POLIODYSTROPHY; NEURONAL DEGENERATION OF CHILDHOOD WITH LIVER DISEASE, PROGRESSIVE; Mitochondrial DNA depletion syndrome 4A (Alpers type); Alpers Syndrome; ALPERS DIFFUSE DEGENERATION OF CEREBRAL GRAY MATTER WITH HEPATIC CIRRHOSIS. Identifiers: Orphanet 726, MedGen C0205710, MONDO:0008758, OMIM 203700.

Submission:

Labcorp Genetics (formerly Invitae), Labcorp
Classification: Pathogenic for Progressive sclerosing poliodystrophy. Last evaluated: 2022-08-19. Review status: criteria provided, single submitter. Criteria: Invitae Variant Classification Sherloc (09022015). Collection method: clinical testing. Allele origin: germline.
Comment: For these reasons, this variant has been classified as Pathogenic. This variant has not been reported in the literature in individuals affected with POLG-related conditions. This variant is not present in population databases (gnomAD no frequency). This sequence change creates a premature translational stop signal (p.Lys1191Argfs*3) in the POLG gene. It is expected to result in an absent or disrupted protein product. Loss-of-function variants in POLG are known to be pathogenic (PMID: 18546365).

Literature cited by the submitters: PubMed 18546365.

NM_002693.3(POLG):c.3570del (p.Lys1191fs)

Gene: POLG (DNA polymerase gamma, catalytic subunit; minus strand). Cytogenetic location: 15q26.1.
Variant type: Deletion.
Coding change: c.3570del on transcript NM_002693.3 (MANE Select); coding-DNA position 3570, one base deleted (G; older notation c.3570delG).
Protein change: p.Lys1191fs; shifts the reading frame from lysine 1191.
Molecular consequence: frameshift variant.
Genome position (GRCh38, 1-based): chr15:89,317,449, C deleted on the plus strand (G on the coding strand, the reverse complement: POLG is on the minus strand); the first of 2 consecutive C bases (chr15:89,317,449-89,317,450); deleting either gives the same sequence. VCF-style (leftmost placement, unchanged base first): chr15-89317448-TC-T. GRCh37 (hg19) VCF-style: chr15-89860679-TC-T.
Other names: c.3570del, p.Lys1191fs (NM_001126131.2); short protein forms K1191fs.
Identifiers: ClinVar variation 2024844 (VCV002024844.4), dbSNP rs2509183959, ClinGen allele CA2580090178.